The following is an entry in ClinVar:

ClinVar aggregate classification (germline): Uncertain significance. Review status: criteria provided, multiple submitters, no conflicts (2 of 4 stars). 3 submissions from 3 submitters: Uncertain significance (3). Last evaluated 2025-05-05.

Conditions:
Malignant tumor of breast. Also called: Malignant breast neoplasm; Cancer breast. Identifiers: MedGen C0006142, MONDO:0007254. Disease mechanism: loss of function.
Hereditary cancer-predisposing syndrome. Also called: Hereditary neoplastic syndrome; Hereditary Cancer Syndrome; Tumor predisposition; Neoplastic Syndromes, Hereditary. Identifiers: Orphanet 140162, MedGen C0027672, MeSH D009386, MONDO:0015356.

Submissions (3):

Ambry Genetics
Classification: Uncertain significance for Hereditary cancer-predisposing syndrome. Last evaluated: 2025-05-05. Review status: criteria provided, single submitter. Criteria: Ambry Variant Classification Scheme 2023. Collection method: clinical testing. Allele origin: germline.
Comment: The p.K219R variant (also known as c.656A>G), located in coding exon 5 of the RAD50 gene, results from an A to G substitution at nucleotide position 656. The lysine at codon 219 is replaced by arginine, an amino acid with highly similar properties. This amino acid position is conserved. In addition, this alteration is predicted to be tolerated by in silico analysis. Based on the available evidence, the clinical significance of this variant remains unclear.

KCCC/NGS Laboratory, Kuwait Cancer Control Center
Classification: Uncertain significance for Cancer breast. Last evaluated: 2023-05-30. Review status: criteria provided, single submitter. Criteria: ACMG Guidelines, 2015. Collection method: clinical testing. Allele origin: unknown. Inheritance: Autosomal dominant inheritance. Affected: yes. Observed: 1 heterozygote.
Comment: a variant of uncertain significance in the RAD50 gene (p.Lys219Arg) . This sequence change replaces lysine, which is basic and polar, with arginine, which is basic and polar, at codon 219 of the RAD50 protein (p.Lys219Arg). This variant is not present in population databases (gnomAD no frequency). This variant has not been reported in the literature in individuals affected with RAD50-related conditions. Algorithms developed to predict the effect of missense changes on protein structure and function are either unavailable or do not agree on the potential impact of this missense change (SIFT: "Tolerated"; PolyPhen-2: "Possibly Damaging"; Align-GVGD: "Class C0"). In summary, the available evidence is currently insufficient to determine the role of this variant in disease. Therefore, it has been classified as a Variant of Uncertain Significance. RAD50 is one of the lower penetrance genes for which there is currently insufficient evidence of an association with breast and/or ovarian cancer. Risk management recommendations for lower penetrance genes should take into account family history and other clinical factors.

Labcorp Genetics (formerly Invitae), Labcorp
Classification: Uncertain significance for Hereditary cancer-predisposing syndrome. Last evaluated: 2022-07-03. Review status: criteria provided, single submitter. Criteria: Invitae Variant Classification Sherloc (09022015). Collection method: clinical testing. Allele origin: germline.
Comment: In summary, the available evidence is currently insufficient to determine the role of this variant in disease. Therefore, it has been classified as a Variant of Uncertain Significance. Algorithms developed to predict the effect of missense changes on protein structure and function are either unavailable or do not agree on the potential impact of this missense change (SIFT: "Tolerated"; PolyPhen-2: "Possibly Damaging"; Align-GVGD: "Class C0"). This variant has not been reported in the literature in individuals affected with RAD50-related conditions. This variant is not present in population databases (gnomAD no frequency). This sequence change replaces lysine, which is basic and polar, with arginine, which is basic and polar, at codon 219 of the RAD50 protein (p.Lys219Arg).

NM_005732.4(RAD50):c.656A>G (p.Lys219Arg)

Gene: RAD50 (RAD50 double strand break repair protein; plus strand). Cytogenetic location: 5q31.1.
Variant type: single nucleotide variant.
Coding change: c.656A>G on transcript NM_005732.4 (MANE Select); coding-DNA position 656, A replaced by G.
Protein change: p.Lys219Arg; replaces lysine 219 with arginine.
Molecular consequence: missense variant.
Genome position (GRCh38, 1-based): chr5:132,579,966, A>G. VCF-style: chr5-132579966-A-G. GRCh37 (hg19) VCF-style: chr5-131915658-A-G.
Other names: c.656A>G (NM_005732.3); short protein forms K219R.
Identifiers: ClinVar variation 2133317 (VCV002133317.7), dbSNP rs2479617451, ClinGen allele CA360936205.